The following is an entry in ClinVar:

NM_000143.4(FH):c.263T>A (p.Met88Lys)

Gene: FH (fumarate hydratase; minus strand). Cytogenetic location: 1q43.
Variant type: single nucleotide variant.
Coding change: c.263T>A on transcript NM_000143.4 (MANE Select); coding-DNA position 263, T replaced by A.
Protein change: p.Met88Lys; replaces methionine 88 with lysine.
Molecular consequence: missense variant.
Genome position (GRCh38, 1-based): chr1:241,517,186, A>T on the plus strand (T>A on the coding strand, the complement: FH is on the minus strand). VCF-style: chr1-241517186-A-T. GRCh37 (hg19) VCF-style: chr1-241680486-A-T.
Other names: short protein forms M88K.
Identifiers: ClinVar variation 2885468 (VCV002885468.4), dbSNP rs763390436, ClinGen allele CA323841.

ClinVar aggregate classification (germline): Likely pathogenic. Review status: criteria provided, multiple submitters, no conflicts (2 of 4 stars). 2 submissions from 2 submitters: Likely pathogenic (2). Last evaluated 2025-06-05.

Conditions:
Cutaneous leiomyoma. Identifiers: MedGen C0346064, MONDO:0003291, HP:0007620.

Submissions (2):

Clinical Genetics Laboratory, Skane University Hospital Lund
Classification: Likely pathogenic for Cutaneous leiomyoma. Last evaluated: 2025-06-05. Review status: criteria provided, single submitter. Criteria: ACMG Guidelines, 2015. Collection method: clinical testing. Allele origin: germline. Inheritance: Autosomal dominant inheritance. Affected: yes.
Comment: PM2, PP1, PP3 and PP4_Strong

Labcorp Genetics (formerly Invitae), Labcorp
Classification: Likely pathogenic. Last evaluated: 2023-03-27. Review status: criteria provided, single submitter. Criteria: Invitae Variant Classification Sherloc (09022015). Collection method: clinical testing. Allele origin: germline.
Comment: This sequence change replaces methionine, which is neutral and non-polar, with lysine, which is basic and polar, at codon 88 of the FH protein (p.Met88Lys). In summary, the currently available evidence indicates that the variant is pathogenic, but additional data are needed to prove that conclusively. Therefore, this variant has been classified as Likely Pathogenic. Advanced modeling of protein sequence and biophysical properties (such as structural, functional, and spatial information, amino acid conservation, physicochemical variation, residue mobility, and thermodynamic stability) performed at Invitae indicates that this missense variant is expected to disrupt FH protein function. This missense change has been observed in individual(s) with clinical features of hereditary leiomyomatosis and renal cell cancer (Invitae). This variant is not present in population databases (gnomAD no frequency).